The following is an entry in ClinVar:

ClinVar aggregate classification (germline): Uncertain significance. Review status: criteria provided, multiple submitters, no conflicts (2 of 4 stars). 2 submissions from 2 submitters: Uncertain significance (2). Last evaluated 2025-11-06.

Allele frequency attached by ClinVar (database versions not stated): ExAC 0.00005; gnomAD exomes 0.00006; gnomAD 0.00016; TOPMed 0.00026; ESP Exome Variant Server 0.00046; 1000 Genomes Project 0.00060; 1000 Genomes Project 30x 0.00062.
gnomAD v4.1: 74 of 1,582,878 alleles (0.0047%); highest among the groups gnomAD compares: African/African-American, 0.056%; no homozygotes.

Submissions (2):

Labcorp Genetics (formerly Invitae), Labcorp
Classification: Uncertain significance. Last evaluated: 2025-11-06. Review status: criteria provided, single submitter. Criteria: Invitae Variant Classification Sherloc (09022015). Collection method: clinical testing. Allele origin: germline.
Comment: This sequence change replaces valine, which is neutral and non-polar, with methionine, which is neutral and non-polar, at codon 485 of the MYLK3 protein (p.Val485Met). This variant is present in population databases (rs140600416, gnomAD 0.05%). This variant has not been reported in the literature in individuals affected with MYLK3-related conditions. ClinVar contains an entry for this variant (Variation ID: 1373040). An algorithm developed to predict the effect of missense changes on protein structure and function outputs the following: PolyPhen-2: "Benign". The methionine amino acid residue is found in multiple mammalian species, which suggests that this missense change does not adversely affect protein function. In summary, the available evidence is currently insufficient to determine the role of this variant in disease. Therefore, it has been classified as a Variant of Uncertain Significance.

Ambry Genetics
Classification: Uncertain significance. Last evaluated: 2021-08-09. Review status: criteria provided, single submitter. Criteria: Ambry Variant Classification Scheme 2023. Collection method: clinical testing. Allele origin: germline.

NM_182493.3(MYLK3):c.1453G>A (p.Val485Met)

Gene: MYLK3 (myosin light chain kinase 3; minus strand). Cytogenetic location: 16q11.2.
Variant type: single nucleotide variant.
Coding change: c.1453G>A on transcript NM_182493.3 (MANE Select); coding-DNA position 1453, G replaced by A.
Protein change: p.Val485Met; replaces valine 485 with methionine.
Molecular consequence: missense variant.
Genome position (GRCh38, 1-based): chr16:46,732,217, C>T on the plus strand (G>A on the coding strand, the complement: MYLK3 is on the minus strand). VCF-style: chr16-46732217-C-T. GRCh37 (hg19) VCF-style: chr16-46766129-C-T.
Other names: c.430G>A, p.Val144Met (NM_001308301.1); c.1453G>A (NM_182493.2); short protein forms V144M, V485M.
Identifiers: ClinVar variation 1373040 (VCV001373040.7), dbSNP rs140600416, ClinGen allele CA8037985.